The following is an entry in ClinVar:

ClinVar aggregate classification (germline): Uncertain significance (1 of 4 stars; one submission).

Conditions:
Ataxia-telangiectasia syndrome (AT). Also called: Cerebello-oculocutaneous telangiectasia; Immunodeficiency with ataxia telangiectasia; Ataxia-telangiectasia; AT, COMPLEMENTATION GROUP C; Ataxia telangiectasia (A-T); LOUIS-BAR SYNDROME. Identifiers: Orphanet 100, MedGen C0004135, MONDO:0008840, OMIM 208900.

Submission:

Labcorp Genetics (formerly Invitae), Labcorp
Classification: Uncertain significance for Ataxia-telangiectasia syndrome. Last evaluated: 2022-02-08. Review status: criteria provided, single submitter. Criteria: Invitae Variant Classification Sherloc (09022015). Collection method: clinical testing. Allele origin: germline.
Comment: This variant results in a copy number gain of the genomic region encompassing exon(s) 4-9 of the ATM gene. While the exact position of this variant cannot be determined from the data, sub-genic copy number gains are generally in tandem (PMID: 25640679). This variant is predicted to be in-frame, and likely preserves the integrity of the reading frame. This variant has not been reported in the literature in individuals affected with ATM-related conditions. Experimental studies and prediction algorithms are not available or were not evaluated, and the functional significance of this variant is currently unknown. In summary, the available evidence is currently insufficient to determine the role of this variant in disease. Therefore, it has been classified as a Variant of Uncertain Significance.

Literature cited by the submitters: PubMed 25640679.

NC_000011.9:g.(?_108099895)_(108119839_?)dup

Gene: ATM (ATM serine/threonine kinase; plus strand). Cytogenetic location: 11q22.3.
Variant type: Duplication.
Identifiers: ClinVar variation 2422223 (VCV002422223.4).